The following is an entry in ClinVar:

NM_000287.4(PEX6):c.2705T>C (p.Leu902Pro)

Gene: PEX6 (peroxisomal biogenesis factor 6; minus strand). Cytogenetic location: 6p21.1.
Variant type: single nucleotide variant.
Coding change: c.2705T>C on transcript NM_000287.4 (MANE Select); coding-DNA position 2705, T replaced by C.
Protein change: p.Leu902Pro; replaces leucine 902 with proline.
Molecular consequence: missense variant. On other transcripts: non-coding transcript variant (1).
Genome position (GRCh38, 1-based): chr6:42,964,891, A>G on the plus strand (T>C on the coding strand, the complement: PEX6 is on the minus strand). VCF-style: chr6-42964891-A-G. GRCh37 (hg19) VCF-style: chr6-42932629-A-G.
Other names: c.2441T>C, p.Leu814Pro (NM_001316313.2); short protein forms L814P, L902P.
Identifiers: ClinVar variation 3242146 (VCV003242146.1), dbSNP rs1769687594.

ClinVar aggregate classification (germline): Uncertain significance (1 of 4 stars; one submission).

Conditions:
Peroxisome biogenesis disorder 4A (Zellweger) (PBD4A). Also called: Zellweger syndrome spectrum (PEX6-related). Identifiers: Orphanet 912, MedGen C3553936, MONDO:0013930, OMIM 614862. Disease mechanism: loss of function.

Submission:

Neuberg Centre For Genomic Medicine, NCGM
Classification: Uncertain significance for Peroxisome biogenesis disorder 4A (Zellweger). Review status: criteria provided, single submitter. Criteria: ACMG Guidelines, 2015. Collection method: clinical testing. Allele origin: germline. Inheritance: Autosomal recessive inheritance. Affected: yes.
Comment: The missense variant c.2705T>C (p.Leu902Pro) in the PEX6 gene has not been reported previously as a pathogenic variant nor as a benign variant, to our knowledge. This variant is absent in the gnomAD Exomes. The amino acid Leucine at position 902 is changed to a Proline changing protein sequence and it might alter its composition and physico-chemical properties. Multiple lines of computational evidence (Polyphen - Damaging, SIFT - Damaging and MutationTaster - Disease causing) predict a damaging effect on protein structure and function for this variant. The amino acid change p.Leu902Pro in PEX6 is predicted as conserved by GERP++ and PhyloP across 100 vertebrates. For these reasons, this variant has been classified as Uncertain Significance